The following is an entry in ClinVar:

ClinVar aggregate classification (germline): Uncertain significance (1 of 4 stars; one submission).

Submission:

Labcorp Genetics (formerly Invitae), Labcorp
Classification: Uncertain significance. Last evaluated: 2024-08-16. Review status: criteria provided, single submitter. Criteria: Invitae Variant Classification Sherloc (09022015). Collection method: clinical testing. Allele origin: germline.
Comment: This sequence change replaces glutamic acid, which is acidic and polar, with alanine, which is neutral and non-polar, at codon 950 of the MYH3 protein (p.Glu950Ala). This variant is not present in population databases (gnomAD no frequency). This variant has not been reported in the literature in individuals affected with MYH3-related conditions. Invitae Evidence Modeling of protein sequence and biophysical properties (such as structural, functional, and spatial information, amino acid conservation, physicochemical variation, residue mobility, and thermodynamic stability) indicates that this missense variant is not expected to disrupt MYH3 protein function with a negative predictive value of 95%. In summary, the available evidence is currently insufficient to determine the role of this variant in disease. Therefore, it has been classified as a Variant of Uncertain Significance.

NM_002470.4(MYH3):c.2849A>C (p.Glu950Ala)

Gene: MYH3 (myosin heavy chain 3; minus strand). Cytogenetic location: 17p13.1.
Variant type: single nucleotide variant.
Coding change: c.2849A>C on transcript NM_002470.4 (MANE Select); coding-DNA position 2849, A replaced by C.
Protein change: p.Glu950Ala; replaces glutamic acid 950 with alanine.
Molecular consequence: missense variant.
Genome position (GRCh38, 1-based): chr17:10,639,636, T>G on the plus strand (A>C on the coding strand, the complement: MYH3 is on the minus strand). VCF-style: chr17-10639636-T-G. GRCh37 (hg19) VCF-style: chr17-10542953-T-G.
Other names: short protein forms E950A.
Identifiers: ClinVar variation 3680770 (VCV003680770.2).